The following is an entry in ClinVar:

ClinVar aggregate classification (germline): Uncertain significance (1 of 4 stars; one submission).

Submission:

GeneDx
Classification: Uncertain significance. Last evaluated: 2022-01-21. Review status: criteria provided, single submitter. Criteria: GeneDx Variant Classification Process June 2021. Collection method: clinical testing. Allele origin: germline. Affected: yes.
Comment: Not observed at significant frequency in large population cohorts (gnomAD); In silico analysis supports that this missense variant does not alter protein structure/function; Has not been previously published as pathogenic or benign to our knowledge

NM_003482.4(KMT2D):c.11077G>C (p.Ala3693Pro)

Gene: KMT2D (lysine methyltransferase 2D; minus strand). Cytogenetic location: 12q13.12.
Variant type: single nucleotide variant.
Coding change: c.11077G>C on transcript NM_003482.4 (MANE Select); coding-DNA position 11077, G replaced by C.
Protein change: p.Ala3693Pro; replaces alanine 3693 with proline.
Molecular consequence: missense variant.
Genome position (GRCh38, 1-based): chr12:49,033,628, C>G on the plus strand (G>C on the coding strand, the complement: KMT2D is on the minus strand). VCF-style: chr12-49033628-C-G. GRCh37 (hg19) VCF-style: chr12-49427411-C-G.
Other names: short protein forms A3693P.
Identifiers: ClinVar variation 1698256 (VCV001698256.2), dbSNP rs2120444668, ClinGen allele CA384723766.